The following is an entry in ClinVar:

ClinVar aggregate classification (germline): Uncertain significance (1 of 4 stars; one submission).

Submission:

Labcorp Genetics (formerly Invitae), Labcorp
Classification: Uncertain significance. Last evaluated: 2022-12-07. Review status: criteria provided, single submitter. Criteria: Invitae Variant Classification Sherloc (09022015). Collection method: clinical testing. Allele origin: germline.
Comment: In summary, the available evidence is currently insufficient to determine the role of this variant in disease. Therefore, it has been classified as a Variant of Uncertain Significance. Algorithms developed to predict the effect of missense changes on protein structure and function (SIFT, PolyPhen-2, Align-GVGD) all suggest that this variant is likely to be tolerated. This variant has not been reported in the literature in individuals affected with STS-related conditions. This variant is not present in population databases (gnomAD no frequency). This sequence change replaces phenylalanine, which is neutral and non-polar, with serine, which is neutral and polar, at codon 217 of the STS protein (p.Phe217Ser).

NM_001320752.2(STS):c.635T>C (p.Phe212Ser)

Gene: STS (steroid sulfatase; plus strand). Cytogenetic location: Xp22.31.
Variant type: single nucleotide variant.
Coding change: c.635T>C on transcript NM_001320752.2 (MANE Select); coding-DNA position 635, T replaced by C.
Protein change: p.Phe212Ser; replaces phenylalanine 212 with serine.
Molecular consequence: missense variant.
Genome position (GRCh38, 1-based): chrX:7,259,601, T>C. VCF-style: chrX-7259601-T-C. GRCh37 (hg19) VCF-style: chrX-7177642-T-C.
Other names: c.635T>C, p.Phe212Ser (NM_000351.7, NM_001320753.2, NM_001320754.2); c.671T>C, p.Phe224Ser (NM_001320750.3, NM_001320751.2); short protein forms F224S, F212S.
Identifiers: ClinVar variation 2819306 (VCV002819306.3), dbSNP rs2518623818, ClinGen allele CA412021231.